The following is an entry in ClinVar:

NM_001032382.2(PQBP1):c.642-15C>G

Gene: PQBP1 (polyglutamine binding protein 1; plus strand). Cytogenetic location: Xp11.23.
Variant type: single nucleotide variant.
Coding change: c.642-15C>G on transcript NM_001032382.2 (MANE Select); 15 bases into the intron before coding-DNA position 642, C replaced by G.
Molecular consequence: intron variant.
Genome position (GRCh38, 1-based): chrX:48,902,913, C>G. VCF-style: chrX-48902913-C-G. GRCh37 (hg19) VCF-style: chrX-48760190-C-G.
Other names: c.642-15C>G (NM_001032383.2, NM_001032381.2, NM_005710.2 and 1 more transcripts); c.357-15C>G (NM_144495.3); c.639-15C>G (NM_001167989.2); c.618-15C>G (NM_001167990.2); c.342-15C>G (NM_001167992.1).
Identifiers: ClinVar variation 2016040 (VCV002016040.4), dbSNP rs919654718, ClinGen allele CA329097620.

ClinVar aggregate classification (germline): Uncertain significance (1 of 4 stars; one submission).

Allele frequency attached by ClinVar (database versions not stated): TOPMed below 0.00001; gnomAD 0.00001.
gnomAD v4.1: 1 of 1,192,434 alleles (0.000084%); highest among the groups gnomAD compares: African/African-American, 0.0018%; no homozygotes.

Submission:

Labcorp Genetics (formerly Invitae), Labcorp
Classification: Uncertain significance. Last evaluated: 2022-07-27. Review status: criteria provided, single submitter. Criteria: Invitae Variant Classification Sherloc (09022015). Collection method: clinical testing. Allele origin: germline.
Comment: This variant has not been reported in the literature in individuals affected with PQBP1-related conditions. In summary, the available evidence is currently insufficient to determine the role of this variant in disease. Therefore, it has been classified as a Variant of Uncertain Significance. Algorithms developed to predict the effect of sequence changes on RNA splicing suggest that this variant may disrupt the consensus splice site. This variant is not present in population databases (gnomAD no frequency). This sequence change falls in intron 5 of the PQBP1 gene. It does not directly change the encoded amino acid sequence of the PQBP1 protein.